The following is an entry in ClinVar:

NM_001148.6(ANK2):c.5210T>A (p.Leu1737Ter)

Genes: ANK2 (ankyrin 2; plus strand), LOC126807136 (MED14-independent group 3 enhancer GRCh37_chr4:114274931-114276130; plus strand). Cytogenetic location: 4q26.
Variant type: single nucleotide variant.
Coding change: c.5210T>A on transcript NM_001148.6 (MANE Select); coding-DNA position 5210, T replaced by A.
Protein change: p.Leu1737Ter; replaces leucine 1737 with a stop codon.
Molecular consequence: nonsense. On other transcripts: intron variant (68).
Genome position (GRCh38, 1-based): chr4:113,353,828, T>A. VCF-style: chr4-113353828-T-A. GRCh37 (hg19) VCF-style: chr4-114274984-T-A.
Other names: c.4976T>A, p.Leu1659Ter (NM_001386142.1); c.1610T>A, p.Leu537Ter (NM_001386166.1); c.5351T>A, p.Leu1784Ter (NM_001386174.1); c.5327T>A, p.Leu1776Ter (NM_001386175.1); c.4411+3579T>A (NM_001386186.2, NM_001386148.2); c.4213+3579T>A (NM_001354269.3); c.4291+3579T>A (NM_001386187.2); c.4252+3579T>A (NM_001386147.1); and 35 more; short protein forms L1784*, L537*, L1659*, L1737*, L1776*.
Identifiers: ClinVar variation 4051668 (VCV004051668.1).

ClinVar aggregate classification (germline): Pathogenic (1 of 4 stars; one submission).

Conditions:
Cardiovascular phenotype. Identifiers: MedGen CN230736.

Submission:

Ambry Genetics
Classification: Pathogenic for Cardiovascular phenotype. Last evaluated: 2025-05-14. Review status: criteria provided, single submitter. Criteria: Ambry Variant Classification Scheme 2023. Collection method: clinical testing. Allele origin: germline.
Comment: The c.5210T>A (p.L1737*) alteration, located in exon 38 (coding exon 38) of the ANK2 gene, consists of a T to A substitution at nucleotide position 5210. This changes the amino acid from a leucine (L) to a stop codon at amino acid position 1737. This gene has multiple alternatively spliced isoforms, and coding exon 38 is expressed only in a brain-specific 440 kD ankyrin-B isoform (reviewed in Cunha, 2008). This alteration is expected to result in loss of function by premature protein truncation or nonsense-mediated mRNA decay. This variant was not reported in population-based cohorts in the Genome Aggregation Database (gnomAD). Based on the available evidence, this alteration is classified as pathogenic.

Literature cited by the submitters: PubMed 18790697.